The following is an entry in ClinVar:

NM_002460.4(IRF4):c.140A>G (p.Lys47Arg)

Gene: IRF4 (interferon regulatory factor 4; plus strand). Cytogenetic location: 6p25.3.
Variant type: single nucleotide variant.
Coding change: c.140A>G on transcript NM_002460.4 (MANE Select); coding-DNA position 140, A replaced by G.
Protein change: p.Lys47Arg; replaces lysine 47 with arginine.
Molecular consequence: missense variant. On other transcripts: non-coding transcript variant (1).
Genome position (GRCh38, 1-based): chr6:393,292, A>G. VCF-style: chr6-393292-A-G. GRCh37 (hg19) VCF-style: chr6-393292-A-G.
Other names: c.140A>G, p.Lys47Arg (NM_001195286.2); short protein forms K47R.
Identifiers: ClinVar variation 3530028 (VCV003530028.3).

ClinVar aggregate classification (germline): Uncertain significance. Review status: criteria provided, multiple submitters, no conflicts (2 of 4 stars). 2 submissions from 2 submitters: Uncertain significance (2). Last evaluated 2024-11-14.

gnomAD v4.1: 5 of 1,607,520 alleles (0.00031%); highest among the groups gnomAD compares: African/African-American, 0.0053%; no homozygotes.

Submissions (2):

Ambry Genetics
Classification: Uncertain significance. Last evaluated: 2024-11-14. Review status: criteria provided, single submitter. Criteria: Ambry Variant Classification Scheme 2023. Collection method: clinical testing. Allele origin: germline.

Labcorp Genetics (formerly Invitae), Labcorp
Classification: Uncertain significance. Last evaluated: 2024-03-02. Review status: criteria provided, single submitter. Criteria: Invitae Variant Classification Sherloc (09022015). Collection method: clinical testing. Allele origin: germline.
Comment: This sequence change replaces lysine, which is basic and polar, with arginine, which is basic and polar, at codon 47 of the IRF4 protein (p.Lys47Arg). This variant is present in population databases (no rsID available, gnomAD 0.02%). This variant has not been reported in the literature in individuals affected with IRF4-related conditions. An algorithm developed to predict the effect of missense changes on protein structure and function (PolyPhen-2) suggests that this variant is likely to be tolerated. In summary, the available evidence is currently insufficient to determine the role of this variant in disease. Therefore, it has been classified as a Variant of Uncertain Significance.